The following is an entry in ClinVar:

NM_017947.4(MOCOS):c.863C>A (p.Thr288Asn)

Gene: MOCOS (molybdenum cofactor sulfurase; plus strand). Cytogenetic location: 18q12.2.
Variant type: single nucleotide variant.
Coding change: c.863C>A on transcript NM_017947.4 (MANE Select); coding-DNA position 863, C replaced by A.
Protein change: p.Thr288Asn; replaces threonine 288 with asparagine.
Molecular consequence: missense variant.
Genome position (GRCh38, 1-based): chr18:36,200,246, C>A. VCF-style: chr18-36200246-C-A. GRCh37 (hg19) VCF-style: chr18-33780209-C-A.
Other names: short protein forms T288N.
Identifiers: ClinVar variation 2054463 (VCV002054463.4), dbSNP rs763050897, ClinGen allele CA8940527.

ClinVar aggregate classification (germline): Uncertain significance (1 of 4 stars; one submission).

Conditions:
Xanthinuria type II. Also called: Xanthine dehydrogenase and aldehyde oxidase combined deficiency of; XDH and AOX dual deficiency. Identifiers: Orphanet 3467, Orphanet 93602, MedGen C1863688, MONDO:0011346, OMIM 603592.

Allele frequency attached by ClinVar (database versions not stated): TOPMed 0.00002; ExAC 0.00003; gnomAD 0.00001; gnomAD exomes 0.00001.
gnomAD v4.1: 14 of 1,614,030 alleles (0.00087%); highest among the groups gnomAD compares: Admixed American, 0.022%; no homozygotes.

Submission:

Labcorp Genetics (formerly Invitae), Labcorp
Classification: Uncertain significance for Xanthinuria type II. Last evaluated: 2022-07-19. Review status: criteria provided, single submitter. Criteria: Invitae Variant Classification Sherloc (09022015). Collection method: clinical testing. Allele origin: germline.
Comment: This sequence change replaces threonine, which is neutral and polar, with asparagine, which is neutral and polar, at codon 288 of the MOCOS protein (p.Thr288Asn). In summary, the available evidence is currently insufficient to determine the role of this variant in disease. Therefore, it has been classified as a Variant of Uncertain Significance. Algorithms developed to predict the effect of missense changes on protein structure and function (SIFT, PolyPhen-2, Align-GVGD) all suggest that this variant is likely to be tolerated. This variant has not been reported in the literature in individuals affected with MOCOS-related conditions. This variant is present in population databases (rs763050897, gnomAD 0.04%).